The following is an entry in ClinVar:

NM_004982.4(KCNJ8):c.820C>T (p.Arg274Cys)

Genes: KCNJ8 (potassium inwardly rectifying channel subfamily J member 8; minus strand), KCNJ8-AS1 (KCNJ8 antisense RNA 1; plus strand). Cytogenetic location: 12p12.1.
Variant type: single nucleotide variant.
Coding change: c.820C>T on transcript NM_004982.4 (MANE Select); coding-DNA position 820, C replaced by T.
Protein change: p.Arg274Cys; replaces arginine 274 with cysteine.
Molecular consequence: missense variant.
Genome position (GRCh38, 1-based): chr12:21,766,178, G>A on the plus strand (C>T on the coding strand, the complement: KCNJ8 is on the minus strand). VCF-style: chr12-21766178-G-A. GRCh37 (hg19) VCF-style: chr12-21919112-G-A.
Other names: short protein forms R274C.
Identifiers: ClinVar variation 810767 (VCV000810767.11), dbSNP rs781083385, ClinGen allele CA6480649.

ClinVar aggregate classification (germline): Uncertain significance. Review status: criteria provided, multiple submitters, no conflicts (2 of 4 stars). 3 submissions from 3 submitters: Uncertain significance (3). Last evaluated 2025-08-03.

Conditions:
Brugada syndrome. Also called: Sudden unexpected nocturnal death syndrome; Sudden Unexplained Death Syndrome; Sudden Unexplained Nocturnal Death Syndrome (SUNDS); Sudden unexplained nocturnal death syndrome. Identifiers: Orphanet 130, MedGen C1142166, MONDO:0015263.
Sudden unexplained death. Identifiers: MedGen C0520806.
Cardiovascular phenotype. Identifiers: MedGen CN230736.

Allele frequency attached by ClinVar (database versions not stated): ExAC 0.00001; gnomAD 0.00002; gnomAD exomes 0.00003 and 0.00005; TOPMed 0.00003.

Submissions (3):

Ambry Genetics
Classification: Uncertain significance for Cardiovascular phenotype. Last evaluated: 2025-08-03. Review status: criteria provided, single submitter. Criteria: Ambry Variant Classification Scheme 2023. Collection method: clinical testing. Allele origin: germline.
Comment: The p.R274C variant (also known as c.820C>T), located in coding exon 2 of the KCNJ8 gene, results from a C to T substitution at nucleotide position 820. The arginine at codon 274 is replaced by cysteine, an amino acid with highly dissimilar properties. This amino acid position is highly conserved in available vertebrate species. In addition, the in silico prediction for this alteration is inconclusive. Since supporting evidence is limited at this time, the clinical significance of this alteration remains unclear.

Labcorp Genetics (formerly Invitae), Labcorp
Classification: Uncertain significance for Brugada syndrome. Last evaluated: 2021-02-16. Review status: criteria provided, single submitter. Criteria: Invitae Variant Classification Sherloc (09022015). Collection method: clinical testing. Allele origin: germline.
Comment: This sequence change replaces arginine with cysteine at codon 274 of the KCNJ8 protein (p.Arg274Cys). The arginine residue is moderately conserved and there is a large physicochemical difference between arginine and cysteine. This variant is present in population databases (rs781083385, ExAC 0.006%). This variant has not been reported in the literature in individuals with KCNJ8-related conditions. ClinVar contains an entry for this variant (Variation ID: 810767). Algorithms developed to predict the effect of missense changes on protein structure and function are either unavailable or do not agree on the potential impact of this missense change (SIFT: "Deleterious"; PolyPhen-2: "Possibly Damaging"; Align-GVGD: "Class C15"). In summary, the available evidence is currently insufficient to determine the role of this variant in disease. Therefore, it has been classified as a Variant of Uncertain Significance.

Agnes Ginges Centre for Molecular Cardiology, Centenary Institute
Classification: Uncertain significance for sudden unexplained death. Last evaluated: 2018-03-07. Review status: criteria provided, single submitter. Criteria: ACMG Guidelines, 2015. Collection method: research. Allele origin: germline. Inheritance: Autosomal dominant inheritance. Affected: yes.
Comment: This variant has not been previously reported and is present in the Genome Aggregation Database. Whilst this variant was found to segregate with disease in our family (3 meiosis), so did the SCN5A p.Gly1642Glu.